The following is an entry in ClinVar:

NM_001148.6(ANK2):c.8463C>A (p.Asp2821Glu)

Gene: ANK2 (ankyrin 2; plus strand). Cytogenetic location: 4q26.
Variant type: single nucleotide variant.
Coding change: c.8463C>A on transcript NM_001148.6 (MANE Select); coding-DNA position 8463, C replaced by A.
Protein change: p.Asp2821Glu; replaces aspartic acid 2821 with glutamic acid.
Molecular consequence: missense variant. On other transcripts: intron variant (68).
Genome position (GRCh38, 1-based): chr4:113,357,081, C>A. VCF-style: chr4-113357081-C-A. GRCh37 (hg19) VCF-style: chr4-114278237-C-A.
Other names: c.8229C>A, p.Asp2743Glu (NM_001386142.1); c.4863C>A, p.Asp1621Glu (NM_001386166.1); c.8604C>A, p.Asp2868Glu (NM_001386174.1); c.8580C>A, p.Asp2860Glu (NM_001386175.1); c.4412-3742C>A (NM_001386186.2, NM_001386148.2); c.4214-3742C>A (NM_001354269.3); c.4292-3742C>A (NM_001386187.2); c.4253-3742C>A (NM_001386147.1); and 35 more; short protein forms D2821E, D1621E, D2743E, D2860E, D2868E.
Identifiers: ClinVar variation 389887 (VCV000389887.15), dbSNP rs780668435, ClinGen allele CA3051777.

ClinVar aggregate classification (germline): Conflicting classifications of pathogenicity. Review status: criteria provided, conflicting classifications (1 of 4 stars). 4 submissions from 4 submitters: Uncertain significance (3); Likely benign (1). Last evaluated 2026-01-25.

Conditions:
Long QT syndrome (LQTS). Identifiers: MedGen C0023976, MeSH D008133, MONDO:0002442. Disease mechanism: loss of function. Inheritance: Various modes of inheritance.
Cardiovascular phenotype. Identifiers: MedGen CN230736.

Allele frequency attached by ClinVar (database versions not stated): ExAC 0.00003; gnomAD exomes 0.00003 and 0.00007; TOPMed 0.00003; gnomAD 0.00019.
gnomAD v4.1: 111 of 1,614,044 alleles (0.0069%); highest among the groups gnomAD compares: Non-Finnish European, 0.0089%; no homozygotes.

Submissions (4):

Labcorp Genetics (formerly Invitae), Labcorp
Classification: Uncertain significance for Long QT syndrome. Last evaluated: 2026-01-25. Review status: criteria provided, single submitter. Criteria: Invitae Variant Classification Sherloc (09022015). Collection method: clinical testing. Allele origin: germline.
Comment: This sequence change replaces aspartic acid, which is acidic and polar, with glutamic acid, which is acidic and polar, at codon 2821 of the ANK2 protein (p.Asp2821Glu). This variant is present in population databases (rs780668435, gnomAD 0.009%). This variant has not been reported in the literature in individuals affected with ANK2-related conditions. ClinVar contains an entry for this variant (Variation ID: 389887). An algorithm developed to predict the effect of missense changes on protein structure and function outputs the following: PolyPhen-2: "Benign". The glutamic acid amino acid residue is found in multiple mammalian species, which suggests that this missense change does not adversely affect protein function. In summary, the available evidence is currently insufficient to determine the role of this variant in disease. Therefore, it has been classified as a Variant of Uncertain Significance.

Mayo Clinic Laboratories, Mayo Clinic
Classification: Uncertain significance. Last evaluated: 2020-09-02. Review status: criteria provided, single submitter. Criteria: ACMG Guidelines, 2015. Collection method: clinical testing. Allele origin: germline. Observed: 1 variant allele.

GeneDx
Classification: Uncertain significance. Last evaluated: 2020-07-28. Review status: criteria provided, single submitter. Criteria: GeneDx Variant Classification Process June 2021. Collection method: clinical testing. Allele origin: germline. Affected: yes.
Comment: Has not been previously published as pathogenic or benign to our knowledge; Reported in ClinVar as a variant of uncertain significance (ClinVar Variant ID# 389887; Landrum et al., 2016); In silico analysis supports that this missense variant does not alter protein structure/function

Ambry Genetics
Classification: Likely benign for Cardiovascular phenotype. Last evaluated: 2019-04-02. Review status: criteria provided, single submitter. Criteria: Ambry Variant Classification Scheme 2023. Collection method: clinical testing. Allele origin: germline.